The following is an entry in ClinVar:

ClinVar aggregate classification (germline): Uncertain significance (1 of 4 stars; one submission).

Submission:

GeneDx
Classification: Uncertain significance. Last evaluated: 2025-04-30. Review status: criteria provided, single submitter. Criteria: GeneDx Variant Classification Process June 2021. Collection method: clinical testing. Allele origin: germline. Affected: yes.
Comment: Not observed at significant frequency in large population cohorts (gnomAD); In-frame deletion of 1 amino acid(s) in a non-repeat region; In silico analysis supports a deleterious effect on protein structure/function; Has not been previously published as pathogenic or benign to our knowledge

NM_002474.3(MYH11):c.3847_3849del (p.His1283del)

Gene: MYH11 (myosin heavy chain 11; minus strand). Cytogenetic location: 16p13.11.
Variant type: Deletion.
Coding change: c.3847_3849del on transcript NM_002474.3 (MANE Select); coding-DNA positions 3847 to 3849, 3 bases deleted (CAC; older notation c.3847_3849delCAC).
Protein change: p.His1283del; deletes histidine 1283.
Molecular consequence: inframe deletion.
Genome position (GRCh38, 1-based): chr16:15,726,857-15,726,859, GTG deleted on the plus strand (CAC on the coding strand, the reverse complement: MYH11 is on the minus strand); deleting any 3 consecutive bases within chr16:15,726,857-15,726,860 gives the same sequence; the c. name uses the placement nearest the transcript's 3' end. VCF-style (leftmost placement, unchanged base first): chr16-15726856-TGTG-T. GRCh37 (hg19) VCF-style: chr16-15820713-TGTG-T.
Other names: c.3868_3870del, p.His1290del (NM_001040113.2, NM_001040114.2); c.3847_3849del, p.His1283del (NM_022844.3); short protein forms H1283del, H1290del.
Identifiers: ClinVar variation 2504385 (VCV002504385.2), dbSNP rs2506155661, ClinGen allele CA2575922858.